The following is an entry in ClinVar:

ClinVar aggregate classification (germline): Likely benign. Review status: criteria provided, multiple submitters, no conflicts (2 of 4 stars). 2 submissions from 2 submitters: Likely benign (2). Last evaluated 2026-05-06.

Conditions:
Hereditary sensory and autonomic neuropathy type 6. Also called: HSAN VI; Neuropathy, hereditary sensory and autonomic, type VI. Identifiers: Orphanet 314381, MedGen C3539003, MONDO:0013839, OMIM 614653.
Epidermolysis bullosa simplex 3, localized or generalized intermediate, with BP230 deficiency (EBS3). Also called: Epidermolysis bullosa simplex, autosomal recessive 2; Epidermolysis bullosa simplex due to BP230 deficiency. Identifiers: Orphanet 412181, MedGen C3809470, MONDO:0014180, OMIM 615425.
DST-related disorder. Also called: DST-related condition; DST-related disorders.

gnomAD v4.1: 11 of 1,612,476 alleles (0.00068%); highest among the groups gnomAD compares: African/African-American, 0.004%; no homozygotes.

Submissions (2):

PreventionGenetics, part of Exact Sciences
Classification: Likely benign for DST-related condition. Last evaluated: 2026-05-06. Review status: criteria provided, single submitter. Criteria: ACMG Guidelines, 2015. Collection method: clinical testing. Allele origin: germline.
Comment: This variant is classified as likely benign based on ACMG/AMP sequence variant interpretation guidelines (Richards et al. 2015 PMID: 25741868, with internal and published modifications).

Labcorp Genetics (formerly Invitae), Labcorp
Classification: Likely benign for Epidermolysis bullosa simplex 3, localized or generalized intermediate, with BP230 deficiency; Hereditary sensory and autonomic neuropathy type 6. Last evaluated: 2024-07-10. Review status: criteria provided, single submitter. Criteria: Invitae Variant Classification Sherloc (09022015). Collection method: clinical testing. Allele origin: germline.

NM_001374736.1(DST):c.19821C>T (p.Thr6607=)

Gene: DST (dystonin; minus strand). Cytogenetic location: 6p12.1.
Variant type: single nucleotide variant.
Coding change: c.19821C>T on transcript NM_001374736.1 (MANE Select); coding-DNA position 19821, C replaced by T.
Protein change: p.Thr6607=; no amino-acid change (threonine 6607 retained).
Molecular consequence: synonymous variant.
Genome position (GRCh38, 1-based): chr6:56,501,155, G>A on the plus strand (C>T on the coding strand, the complement: DST is on the minus strand). VCF-style: chr6-56501155-G-A. GRCh37 (hg19) VCF-style: chr6-56365953-G-A.
Other names: c.13464C>T, p.Thr4488= (NM_001144769.5); c.13050C>T, p.Thr4350= (NM_001144770.2); c.19821C>T, p.Thr6607= (NM_001374722.1); c.18861C>T, p.Thr6287= (NM_001374729.1); c.12603C>T, p.Thr4201= (NM_001374730.1); c.19848C>T, p.Thr6616= (NM_001374734.1); c.12930C>T, p.Thr4310= (NM_001386100.1, NM_183380.4); c.11952C>T, p.Thr3984= (NM_015548.5); and 1 more.
Identifiers: ClinVar variation 1090168 (VCV001090168.10), dbSNP rs756132163, ClinGen allele CA3866911.